The following is an entry in ClinVar:

ClinVar aggregate classification (germline): Conflicting classifications of pathogenicity. Review status: criteria provided, conflicting classifications (1 of 4 stars). 3 submissions from 3 submitters: Uncertain significance (2); Likely benign (1). Last evaluated 2025-12-09.

Conditions:
Inborn genetic diseases. Identifiers: MedGen C0950123, MeSH D030342.

Allele frequency attached by ClinVar (database versions not stated): gnomAD exomes 0.00001; gnomAD 0.00003 and 0.00004; TOPMed 0.00004.
gnomAD v4.1: 10 of 1,609,932 alleles (0.00062%); highest among the groups gnomAD compares: African/African-American, 0.011%; no homozygotes.

Submissions (3):

Ambry Genetics
Classification: Uncertain significance for Inborn genetic diseases. Last evaluated: 2025-12-09. Review status: criteria provided, single submitter. Criteria: Ambry Variant Classification Scheme 2023. Collection method: clinical testing. Allele origin: germline.

Labcorp Genetics (formerly Invitae), Labcorp
Classification: Uncertain significance. Last evaluated: 2025-01-13. Review status: criteria provided, single submitter. Criteria: Invitae Variant Classification Sherloc (09022015). Collection method: clinical testing. Allele origin: germline.
Comment: This sequence change replaces leucine, which is neutral and non-polar, with phenylalanine, which is neutral and non-polar, at codon 264 of the EMC1 protein (p.Leu264Phe). This variant is present in population databases (no rsID available, gnomAD 0.01%). This variant has not been reported in the literature in individuals affected with EMC1-related conditions. ClinVar contains an entry for this variant (Variation ID: 1399259). Invitae Evidence Modeling of protein sequence and biophysical properties (such as structural, functional, and spatial information, amino acid conservation, physicochemical variation, residue mobility, and thermodynamic stability) indicates that this missense variant is not expected to disrupt EMC1 protein function with a negative predictive value of 80%. In summary, the available evidence is currently insufficient to determine the role of this variant in disease. Therefore, it has been classified as a Variant of Uncertain Significance.

Blueprint Genetics
Classification: Likely benign. Last evaluated: 2022-11-14. Review status: criteria provided, single submitter. Criteria: ACMG Guidelines, 2015. Collection method: clinical testing. Allele origin: germline.

NM_015047.3(EMC1):c.790C>T (p.Leu264Phe)

Genes: EMC1 (ER membrane protein complex subunit 1; minus strand), EMC1-AS1 (EMC1 antisense RNA 1; plus strand). Cytogenetic location: 1p36.13.
Variant type: single nucleotide variant.
Coding change: c.790C>T on transcript NM_015047.3 (MANE Select); coding-DNA position 790, C replaced by T.
Protein change: p.Leu264Phe; replaces leucine 264 with phenylalanine.
Molecular consequence: missense variant.
Genome position (GRCh38, 1-based): chr1:19,239,982, G>A on the plus strand (C>T on the coding strand, the complement: EMC1 is on the minus strand). VCF-style: chr1-19239982-G-A. GRCh37 (hg19) VCF-style: chr1-19566476-G-A.
Other names: c.790C>T, p.Leu264Phe (NM_001271427.2, NM_001271428.2, NM_001375820.1 and 1 more transcripts); c.724C>T, p.Leu242Phe (NM_001271429.2); c.790C>T (NM_015047.1); short protein forms L264F, L242F.
Identifiers: ClinVar variation 1399259 (VCV001399259.8), dbSNP rs1236371581, ClinGen allele CA338768522.